The following is an entry in ClinVar:

NM_001171.6(ABCC6):c.219+35A>G

Gene: ABCC6 (ATP binding cassette subfamily C member 6; minus strand). Cytogenetic location: 16p13.11.
Variant type: single nucleotide variant.
Coding change: c.219+35A>G on transcript NM_001171.6 (MANE Select); 35 bases into the intron after coding-DNA position 219, A replaced by G.
Molecular consequence: intron variant. On other transcripts: missense variant (1).
Genome position (GRCh38, 1-based): chr16:16,221,614, T>C on the plus strand (A>G on the coding strand, the complement: ABCC6 is on the minus strand). VCF-style: chr16-16221614-T-C. GRCh37 (hg19) VCF-style: chr16-16315471-T-C.
Other names: c.254A>G, p.Asn85Ser (NM_001079528.4); c.-124+4A>G (NM_001351800.1); short protein forms N85S.
Identifiers: ClinVar variation 3032435 (VCV003032435.2), dbSNP rs2506114153, ClinGen allele CA395201892.
Genomic context (GRCh38, chr16:16,221,614, plus strand): 5'-AGGAGGAGTCTACTTTAAGACTTCACCAGGTTCCAGCCTGTCCCCTGCCTCCCCCGAACA[T>C]TGCCTGGTTCCAGGCTCCCAGGGATGGCAGCTACCATCTTGGCTTTGAAGAGTGGGGACA-3'

ClinVar aggregate classification (germline): Uncertain significance (0 of 4 stars; one submission).

Conditions:
ABCC6-related disorder. Also called: ABCC6-related condition.

Submission:

PreventionGenetics, part of Exact Sciences
Classification: Uncertain significance for ABCC6-related condition. Last evaluated: 2024-01-11. Review status: no assertion criteria provided. Collection method: clinical testing. Allele origin: germline.
Comment: The ABCC6 c.254A>G variant is predicted to result in the amino acid substitution p.Asn85Ser. To our knowledge, this variant has not been reported in the literature or in a large population database, indicating this variant is rare. At this time, the clinical significance of this variant is uncertain due to the absence of conclusive functional and genetic evidence.